The following is an entry in ClinVar:

ClinVar aggregate classification (germline): Uncertain significance (1 of 4 stars; one submission).

Conditions:
Cardiovascular phenotype. Identifiers: MedGen CN230736.

Allele frequency attached by ClinVar (database versions not stated): gnomAD exomes below 0.00001.
gnomAD v4.1: 1 of 1,613,280 alleles (0.000062%); highest among the groups gnomAD compares: Non-Finnish European, 0.000085%; no homozygotes.

Submission:

Ambry Genetics
Classification: Uncertain significance for Cardiovascular phenotype. Last evaluated: 2019-01-16. Review status: criteria provided, single submitter. Criteria: Ambry Variant Classification Scheme 2023. Collection method: clinical testing. Allele origin: germline.
Comment: The p.Y11482S variant (also known as c.34445A>C), located in coding exon 131 of the TTN gene, results from an A to C substitution at nucleotide position 34445. The tyrosine at codon 11482 is replaced by serine, an amino acid with dissimilar properties. This amino acid position is highly conserved in available vertebrate species. In addition, the in silico prediction for this alteration is inconclusive. Since supporting evidence is limited at this time, the clinical significance of this alteration remains unclear.

NM_001267550.2(TTN):c.61640A>C (p.Tyr20547Ser)

Genes: TTN (titin; minus strand), TTN-AS1 (TTN antisense RNA 1; plus strand). Cytogenetic location: 2q31.2.
Variant type: single nucleotide variant.
Coding change: c.61640A>C on transcript NM_001267550.2 (MANE Select); coding-DNA position 61640, A replaced by C.
Protein change: p.Tyr20547Ser; replaces tyrosine 20547 with serine.
Molecular consequence: missense variant.
Genome position (GRCh38, 1-based): chr2:178,590,085, T>G on the plus strand (A>C on the coding strand, the complement: TTN is on the minus strand). VCF-style: chr2-178590085-T-G. GRCh37 (hg19) VCF-style: chr2-179454812-T-G.
Other names: c.56717A>C, p.Tyr18906Ser (NM_001256850.1); c.34445A>C, p.Tyr11482Ser (NM_003319.4); c.53936A>C, p.Tyr17979Ser (NM_133378.4); c.34820A>C, p.Tyr11607Ser (NM_133432.3); c.35021A>C, p.Tyr11674Ser (NM_133437.4); short protein forms Y11482S, Y11607S, Y18906S, Y20547S, Y11674S, Y17979S.
Identifiers: ClinVar variation 1731488 (VCV001731488.2), dbSNP rs2469420552, ClinGen allele CA349470773.